The following is an entry in ClinVar:

ClinVar aggregate classification (germline): Uncertain significance (1 of 4 stars; one submission).

Allele frequency attached by ClinVar (database versions not stated): TOPMed below 0.00001.

Submission:

Labcorp Genetics (formerly Invitae), Labcorp
Classification: Uncertain significance. Last evaluated: 2025-10-22. Review status: criteria provided, single submitter. Criteria: Invitae Variant Classification Sherloc (09022015). Collection method: clinical testing. Allele origin: germline.
Comment: This sequence change replaces methionine, which is neutral and non-polar, with isoleucine, which is neutral and non-polar, at codon 2607 of the LAMA1 protein (p.Met2607Ile). This variant is not present in population databases (gnomAD no frequency). This variant has not been reported in the literature in individuals affected with LAMA1-related conditions. ClinVar contains an entry for this variant (Variation ID: 2065214). Invitae Evidence Modeling of protein sequence and biophysical properties (such as structural, functional, and spatial information, amino acid conservation, physicochemical variation, residue mobility, and thermodynamic stability) indicates that this missense variant is not expected to disrupt LAMA1 protein function with a negative predictive value of 80%. In summary, the available evidence is currently insufficient to determine the role of this variant in disease. Therefore, it has been classified as a Variant of Uncertain Significance.

NM_005559.4(LAMA1):c.7821G>T (p.Met2607Ile)

Gene: LAMA1 (laminin subunit alpha 1; minus strand). Cytogenetic location: 18p11.31.
Variant type: single nucleotide variant.
Coding change: c.7821G>T on transcript NM_005559.4 (MANE Select); coding-DNA position 7821, G replaced by T.
Protein change: p.Met2607Ile; replaces methionine 2607 with isoleucine.
Molecular consequence: missense variant.
Genome position (GRCh38, 1-based): chr18:6,958,620, C>A on the plus strand (G>T on the coding strand, the complement: LAMA1 is on the minus strand). VCF-style: chr18-6958620-C-A. GRCh37 (hg19) VCF-style: chr18-6958619-C-A.
Other names: short protein forms M2607I.
Identifiers: ClinVar variation 2065214 (VCV002065214.4), dbSNP rs2057592030, ClinGen allele CA401843552.
Genomic context (GRCh38, chr18:6,958,620, plus strand): 5'-TCCCCCGACGTACAGATTGGACACATTTATCGTCCTGCTTTCTACTAATGTGCCCAACTT[C>A]ATTTCCACAGGATTGTTCTCATCCAATTGGACAGTGATAATTCTAAAAGACCAATGGAGA-3'
Protein context (NP_005550.2, residues 2597-2617): VQLDENNPVE[Met2607Ile]KLGTLVESRT